The following is an entry in ClinVar:

NM_000088.4(COL1A1):c.130G>A (p.Gly44Ser)

Gene: COL1A1 (collagen type I alpha 1 chain; minus strand). Cytogenetic location: 17q21.33.
Variant type: single nucleotide variant.
Coding change: c.130G>A on transcript NM_000088.4 (MANE Select); coding-DNA position 130, G replaced by A.
Protein change: p.Gly44Ser; replaces glycine 44 with serine.
Molecular consequence: missense variant.
Genome position (GRCh38, 1-based): chr17:50,199,921, C>T on the plus strand (G>A on the coding strand, the complement: COL1A1 is on the minus strand). VCF-style: chr17-50199921-C-T. GRCh37 (hg19) VCF-style: chr17-48277282-C-T.
Other names: short protein forms G44S.
Identifiers: ClinVar variation 3673216 (VCV003673216.2).

ClinVar aggregate classification (germline): Uncertain significance (1 of 4 stars; one submission).

Conditions:
Osteogenesis imperfecta type I (OI1). Also called: OI, TYPE I; OSTEOGENESIS IMPERFECTA TARDA; OSTEOGENESIS IMPERFECTA WITH BLUE SCLERAE; Osteogenesis imperfecta type 1; Lobstein's Disease; Lobstein disease. Identifiers: Orphanet 216796, Orphanet 666, MedGen C0023931, MONDO:0008146, OMIM 166200. Disease mechanism: loss of function.

Submission:

Labcorp Genetics (formerly Invitae), Labcorp
Classification: Uncertain significance for Osteogenesis imperfecta type I. Last evaluated: 2024-11-25. Review status: criteria provided, single submitter. Criteria: Invitae Variant Classification Sherloc (09022015). Collection method: clinical testing. Allele origin: germline.
Comment: This sequence change replaces glycine, which is neutral and non-polar, with serine, which is neutral and polar, at codon 44 of the COL1A1 protein (p.Gly44Ser). This variant is not present in population databases (gnomAD no frequency). This variant has not been reported in the literature in individuals affected with COL1A1-related conditions. Invitae Evidence Modeling of protein sequence and biophysical properties (such as structural, functional, and spatial information, amino acid conservation, physicochemical variation, residue mobility, and thermodynamic stability) has been performed for this missense variant. However, the output from this modeling did not meet the statistical confidence thresholds required to predict the impact of this variant on COL1A1 protein function. In summary, the available evidence is currently insufficient to determine the role of this variant in disease. Therefore, it has been classified as a Variant of Uncertain Significance.